The following is an entry in ClinVar:

ClinVar aggregate classification (germline): Uncertain significance. Review status: criteria provided, multiple submitters, no conflicts (2 of 4 stars). 2 submissions from 2 submitters: Uncertain significance (2). Last evaluated 2026-01-05.

Conditions:
Hereditary cancer-predisposing syndrome. Also called: Neoplastic Syndromes, Hereditary; Tumor predisposition; Hereditary Cancer Syndrome; Hereditary neoplastic syndrome. Identifiers: Orphanet 140162, MedGen C0027672, MeSH D009386, MONDO:0015356.
Oligodontia-cancer predisposition syndrome. Also called: TOOTH AGENESIS-COLORECTAL CANCER SYNDROME. Identifiers: Orphanet 300576, MedGen C1837750, MONDO:0012075, OMIM 608615. Disease mechanism: loss of function.

Allele frequency attached by ClinVar (database versions not stated): gnomAD exomes below 0.00001.
gnomAD v4.1: 1 of 1,614,198 alleles (0.000062%); highest among the groups gnomAD compares: Non-Finnish European, 0.000085%; no homozygotes.

Submissions (2):

Labcorp Genetics (formerly Invitae), Labcorp
Classification: Uncertain significance for Oligodontia-cancer predisposition syndrome. Last evaluated: 2026-01-05. Review status: criteria provided, single submitter. Criteria: Invitae Variant Classification Sherloc (09022015). Collection method: clinical testing. Allele origin: germline.
Comment: This sequence change replaces threonine, which is neutral and polar, with isoleucine, which is neutral and non-polar, at codon 97 of the AXIN2 protein (p.Thr97Ile). This variant is not present in population databases (gnomAD no frequency). This variant has not been reported in the literature in individuals affected with AXIN2-related conditions. ClinVar contains an entry for this variant (Variation ID: 464617). Invitae Evidence Modeling of protein sequence and biophysical properties (such as structural, functional, and spatial information, amino acid conservation, physicochemical variation, residue mobility, and thermodynamic stability) indicates that this missense variant is not expected to disrupt AXIN2 protein function with a negative predictive value of 80%. In summary, the available evidence is currently insufficient to determine the role of this variant in disease. Therefore, it has been classified as a Variant of Uncertain Significance.

Ambry Genetics
Classification: Uncertain significance for Hereditary cancer-predisposing syndrome. Last evaluated: 2024-03-18. Review status: criteria provided, single submitter. Criteria: Ambry Variant Classification Scheme 2023. Collection method: clinical testing. Allele origin: germline.
Comment: The p.T97I variant (also known as c.290C>T), located in coding exon 1 of the AXIN2 gene, results from a C to T substitution at nucleotide position 290. The threonine at codon 97 is replaced by isoleucine, an amino acid with similar properties. This amino acid position is well conserved in available vertebrate species. In addition, this alteration is predicted to be tolerated by in silico analysis. Since supporting evidence is limited at this time, the clinical significance of this alteration remains unclear.

NM_004655.4(AXIN2):c.290C>T (p.Thr97Ile)

Gene: AXIN2 (axin 2; minus strand). Cytogenetic location: 17q24.1.
Variant type: single nucleotide variant.
Coding change: c.290C>T on transcript NM_004655.4 (MANE Select); coding-DNA position 290, C replaced by T.
Protein change: p.Thr97Ile; replaces threonine 97 with isoleucine.
Molecular consequence: missense variant.
Genome position (GRCh38, 1-based): chr17:65,558,331, G>A on the plus strand (C>T on the coding strand, the complement: AXIN2 is on the minus strand). VCF-style: chr17-65558331-G-A. GRCh37 (hg19) VCF-style: chr17-63554449-G-A.
Other names: c.290C>T, p.Thr97Ile (NM_001363813.1); c.290C>T (LRG_296t1); short protein forms T97I.
Identifiers: ClinVar variation 464617 (VCV000464617.10), dbSNP rs1555583566, ClinGen allele CA400681725.